The following is an entry in ClinVar:

ClinVar aggregate classification (germline): Likely benign. Review status: criteria provided, multiple submitters, no conflicts (2 of 4 stars). 3 submissions from 3 submitters: Likely benign (2). 1 of the submissions does not count toward it. Last evaluated 2026-01-14.

Conditions:
Familial cancer of breast. Also called: BREAST CANCER, FAMILIAL; hereditary breast carcinoma; Hereditary breast cancer. Identifiers: Orphanet 227535, MedGen C0346153, MONDO:0016419, OMIM 114480. Disease mechanism: loss of function.

Allele frequency attached by ClinVar (database versions not stated): gnomAD exomes below 0.00001; ExAC 0.00001; gnomAD 0.00001; TOPMed 0.00001.
gnomAD v4.1: 2 of 1,583,812 alleles (0.00013%); highest among the groups gnomAD compares: African/African-American, 0.0027%; no homozygotes.

Submissions (3):

Labcorp Genetics (formerly Invitae), Labcorp
Classification: Likely benign for Familial cancer of breast. Last evaluated: 2026-01-14. Review status: criteria provided, single submitter. Criteria: Invitae Variant Classification Sherloc (09022015). Collection method: clinical testing. Allele origin: germline.

GeneDx
Classification: Likely benign. Last evaluated: 2017-11-20. Review status: criteria provided, single submitter. Criteria: GeneDx Variant Classification (06012015). Collection method: clinical testing. Allele origin: germline. Affected: yes.
Comment: This variant is considered likely benign or benign based on one or more of the following criteria: it is a conservative change, it occurs at a poorly conserved position in the protein, it is predicted to be benign by multiple in silico algorithms, and/or has population frequency not consistent with disease.

Counsyl
Classification: Likely benign for Familial cancer of breast. Last evaluated: 2016-09-07. Review status: no assertion criteria provided. Collection method: clinical testing. Allele origin: unknown. Not counted in ClinVar's aggregate classification.

NM_024675.4(PALB2):c.3201+20G>T

Gene: PALB2 (partner and localizer of BRCA2; minus strand). Cytogenetic location: 16p12.2.
Variant type: single nucleotide variant.
Coding change: c.3201+20G>T on transcript NM_024675.4 (MANE Select); 20 bases into the intron after coding-DNA position 3201, G replaced by T.
Molecular consequence: intron variant.
Genome position (GRCh38, 1-based): chr16:23,613,984, C>A on the plus strand (G>T on the coding strand, the complement: PALB2 is on the minus strand). VCF-style: chr16-23613984-C-A. GRCh37 (hg19) VCF-style: chr16-23625305-C-A.
Identifiers: ClinVar variation 371952 (VCV000371952.11), dbSNP rs774029323, ClinGen allele CA7963411.